The following is an entry in ClinVar:

ClinVar aggregate classification (germline): Uncertain significance (1 of 4 stars; one submission).

Conditions:
Inborn genetic diseases. Identifiers: MedGen C0950123, MeSH D030342.

Submission:

Ambry Genetics
Classification: Uncertain significance for Inborn genetic diseases. Last evaluated: 2024-11-30. Review status: criteria provided, single submitter. Criteria: Ambry Variant Classification Scheme 2023. Collection method: clinical testing. Allele origin: germline.
Comment: The p.C1223S variant (also known as c.3667T>A), located in coding exon 14 of the FANCM gene, results from a T to A substitution at nucleotide position 3667. The cysteine at codon 1223 is replaced by serine, an amino acid with dissimilar properties. This amino acid position is conserved. In addition, this alteration is predicted to be tolerated by in silico analysis. Based on the available evidence, the clinical significance of this variant remains unclear.

NM_020937.4(FANCM):c.3667T>A (p.Cys1223Ser)

Gene: FANCM (FA complementation group M; plus strand). Cytogenetic location: 14q21.2.
Variant type: single nucleotide variant.
Coding change: c.3667T>A on transcript NM_020937.4 (MANE Select); coding-DNA position 3667, T replaced by A.
Protein change: p.Cys1223Ser; replaces cysteine 1223 with serine.
Molecular consequence: missense variant.
Genome position (GRCh38, 1-based): chr14:45,176,421, T>A. VCF-style: chr14-45176421-T-A. GRCh37 (hg19) VCF-style: chr14-45645624-T-A.
Other names: c.3589T>A, p.Cys1197Ser (NM_001308133.2); short protein forms C1223S, C1197S.
Identifiers: ClinVar variation 3512952 (VCV003512952.1).